The following is an entry in ClinVar:

ClinVar aggregate classification (germline): Likely benign (0 of 4 stars; one submission).

Conditions:
CPB1-related disorder. Also called: CPB1-related condition.

Allele frequency attached by ClinVar (database versions not stated): 1000 Genomes Project 30x 0.00187; 1000 Genomes Project 0.00200; gnomAD 0.00296; ESP Exome Variant Server 0.00315; ExAC 0.00362.
gnomAD v4.1: 6,677 of 1,613,684 alleles (0.41%); highest among the groups gnomAD compares: Non-Finnish European, 0.48%; 17 homozygotes.

Submission:

PreventionGenetics, part of Exact Sciences
Classification: Likely benign for CPB1-related condition. Last evaluated: 2019-06-11. Review status: no assertion criteria provided. Collection method: clinical testing. Allele origin: germline.
Comment: This variant is classified as likely benign based on ACMG/AMP sequence variant interpretation guidelines (Richards et al. 2015 PMID: 25741868, with internal and published modifications).

NM_001871.3(CPB1):c.193A>G (p.Ser65Gly)

Gene: CPB1 (carboxypeptidase B1; plus strand). Cytogenetic location: 3q24.
Variant type: single nucleotide variant.
Coding change: c.193A>G on transcript NM_001871.3 (MANE Select); coding-DNA position 193, A replaced by G.
Protein change: p.Ser65Gly; replaces serine 65 with glycine.
Molecular consequence: missense variant.
Genome position (GRCh38, 1-based): chr3:148,834,543, A>G. VCF-style: chr3-148834543-A-G. GRCh37 (hg19) VCF-style: chr3-148552330-A-G.
Other names: short protein forms S65G.
Identifiers: ClinVar variation 3034026 (VCV003034026.2), dbSNP rs146504027, ClinGen allele CA2657544.